The following is an entry in ClinVar:

ClinVar aggregate classification (germline): Uncertain significance. Review status: criteria provided, multiple submitters, no conflicts (2 of 4 stars). 4 submissions from 4 submitters: Uncertain significance (4). Last evaluated 2025-12-16.

Allele frequency attached by ClinVar (database versions not stated): gnomAD 0.00008 and 0.00009; gnomAD exomes 0.00009 and 0.00026; ESP Exome Variant Server 0.00023; TOPMed 0.00009; ExAC 0.00010.
gnomAD v4.1: 400 of 1,612,578 alleles (0.025%); highest among the groups gnomAD compares: Non-Finnish European, 0.032%; no homozygotes.

Submissions (4):

Ambry Genetics
Classification: Uncertain significance. Last evaluated: 2025-12-16. Review status: criteria provided, single submitter. Criteria: Ambry Variant Classification Scheme 2023. Collection method: clinical testing. Allele origin: germline.

Labcorp Genetics (formerly Invitae), Labcorp
Classification: Uncertain significance. Last evaluated: 2025-10-31. Review status: criteria provided, single submitter. Criteria: Invitae Variant Classification Sherloc (09022015). Collection method: clinical testing. Allele origin: germline.
Comment: This sequence change replaces alanine, which is neutral and non-polar, with valine, which is neutral and non-polar, at codon 64 of the SRP72 protein (p.Ala64Val). This variant is present in population databases (rs141475605, gnomAD 0.02%). This variant has not been reported in the literature in individuals affected with SRP72-related conditions. ClinVar contains an entry for this variant (Variation ID: 436861). Invitae Evidence Modeling of protein sequence and biophysical properties (such as structural, functional, and spatial information, amino acid conservation, physicochemical variation, residue mobility, and thermodynamic stability) indicates that this missense variant is not expected to disrupt SRP72 protein function with a negative predictive value of 80%. In summary, the available evidence is currently insufficient to determine the role of this variant in disease. Therefore, it has been classified as a Variant of Uncertain Significance.

GeneDx
Classification: Uncertain significance. Last evaluated: 2025-09-07. Review status: criteria provided, single submitter. Criteria: GeneDx Variant Classification Process June 2021. Collection method: clinical testing. Allele origin: germline. Affected: yes.
Comment: In silico analysis supports that this missense variant has a deleterious effect on protein structure/function; Observed in an individual with multiple myeloma, but also in healthy controls (PMID: 28404951); This variant is associated with the following publications: (PMID: 28404951, 28369529, 27899666)

Genetic Services Laboratory, University of Chicago
Classification: Uncertain significance. Last evaluated: 2017-04-10. Review status: criteria provided, single submitter. Criteria: ACMG Guidelines, 2015. Collection method: clinical testing. Allele origin: germline. Affected: no.

NM_006947.4(SRP72):c.191C>T (p.Ala64Val)

Gene: SRP72 (signal recognition particle 72; plus strand). Cytogenetic location: 4q12.
Variant type: single nucleotide variant.
Coding change: c.191C>T on transcript NM_006947.4 (MANE Select); coding-DNA position 191, C replaced by T.
Protein change: p.Ala64Val; replaces alanine 64 with valine.
Molecular consequence: missense variant. On other transcripts: non-coding transcript variant (1).
Genome position (GRCh38, 1-based): chr4:56,469,734, C>T. VCF-style: chr4-56469734-C-T. GRCh37 (hg19) VCF-style: chr4-57335900-C-T.
Other names: c.191C>T, p.Ala64Val (NM_001267722.2); short protein forms A64V.
Identifiers: ClinVar variation 436861 (VCV000436861.19), dbSNP rs141475605, ClinGen allele CA2930992.